The following is an entry in ClinVar:

NM_004744.5(LRAT):c.83G>A (p.Gly28Asp)

Gene: LRAT (lecithin retinol acyltransferase; plus strand). Cytogenetic location: 4q32.1.
Variant type: single nucleotide variant.
Coding change: c.83G>A on transcript NM_004744.5 (MANE Select); coding-DNA position 83, G replaced by A.
Protein change: p.Gly28Asp; replaces glycine 28 with aspartic acid.
Molecular consequence: missense variant.
Genome position (GRCh38, 1-based): chr4:154,744,409, G>A. VCF-style: chr4-154744409-G-A. GRCh37 (hg19) VCF-style: chr4-155665561-G-A.
Other names: c.83G>A, p.Gly28Asp (NM_001301645.2); short protein forms G28D.
Identifiers: ClinVar variation 1715772 (VCV001715772.5), dbSNP rs1732833730, ClinGen allele CA358629937.

ClinVar aggregate classification (germline): Uncertain significance (1 of 4 stars; one submission).

Allele frequency attached by ClinVar (database versions not stated): TOPMed below 0.00001.

Submission:

Labcorp Genetics (formerly Invitae), Labcorp
Classification: Uncertain significance. Last evaluated: 2025-09-08. Review status: criteria provided, single submitter. Criteria: Invitae Variant Classification Sherloc (09022015). Collection method: clinical testing. Allele origin: germline.
Comment: This sequence change replaces glycine, which is neutral and non-polar, with aspartic acid, which is acidic and polar, at codon 28 of the LRAT protein (p.Gly28Asp). This variant is not present in population databases (gnomAD no frequency). This variant has not been reported in the literature in individuals affected with LRAT-related conditions. ClinVar contains an entry for this variant (Variation ID: 1715772). An algorithm developed to predict the effect of missense changes on protein structure and function outputs the following: PolyPhen-2: "Benign". The aspartic acid amino acid residue is found in multiple mammalian species, which suggests that this missense change does not adversely affect protein function. In summary, the available evidence is currently insufficient to determine the role of this variant in disease. Therefore, it has been classified as a Variant of Uncertain Significance.